The following is an entry in ClinVar:

ClinVar aggregate classification (germline): Likely pathogenic (1 of 4 stars; one submission).

Submission:

Labcorp Genetics (formerly Invitae), Labcorp
Classification: Likely pathogenic. Last evaluated: 2022-03-27. Review status: criteria provided, single submitter. Criteria: Invitae Variant Classification Sherloc (09022015). Collection method: clinical testing. Allele origin: germline.
Comment: Variants that disrupt the consensus splice site are a relatively common cause of aberrant splicing (PMID: 17576681, 9536098). Algorithms developed to predict the effect of sequence changes on RNA splicing suggest that this variant may disrupt the consensus splice site. In summary, the currently available evidence indicates that the variant is pathogenic, but additional data are needed to prove that conclusively. Therefore, this variant has been classified as Likely Pathogenic. Disruption of this splice site has been observed in individual(s) with cleidocranial dysplasia (PMID: 16463420). In at least one individual the variant was observed to be de novo. This variant is not present in population databases (gnomAD no frequency). This sequence change affects an acceptor splice site in intron 8 of the RUNX2 gene. While this variant is not anticipated to result in nonsense mediated decay, it likely alters RNA splicing and results in a disrupted protein product.

Literature cited by the submitters: PubMed 17576681; PubMed 9536098; PubMed 16463420.

NM_001024630.4(RUNX2):c.1088-2A>C

Gene: RUNX2 (RUNX family transcription factor 2; plus strand). Cytogenetic location: 6p21.1.
Variant type: single nucleotide variant.
Coding change: c.1088-2A>C on transcript NM_001024630.4 (MANE Select); the canonical splice acceptor site of the intron before coding-DNA position 1088, A replaced by C.
Molecular consequence: splice acceptor variant.
Genome position (GRCh38, 1-based): chr6:45,546,825, A>C. VCF-style: chr6-45546825-A-C. GRCh37 (hg19) VCF-style: chr6-45514562-A-C.
Other names: c.1022-2A>C (NM_001015051.4); c.1046-2A>C (NM_001369405.1); c.980-2A>C (NM_001278478.2).
Identifiers: ClinVar variation 1519976 (VCV001519976.8), dbSNP rs2150453692, ClinGen allele CA363956464.